The following is an entry in ClinVar:

NM_000350.3(ABCA4):c.2957C>T (p.Thr986Ile)

Gene: ABCA4 (ATP binding cassette subfamily A member 4; minus strand). Cytogenetic location: 1p22.1.
Variant type: single nucleotide variant.
Coding change: c.2957C>T on transcript NM_000350.3 (MANE Select); coding-DNA position 2957, C replaced by T.
Protein change: p.Thr986Ile; replaces threonine 986 with isoleucine.
Molecular consequence: missense variant.
Genome position (GRCh38, 1-based): chr1:94,044,706, G>A on the plus strand (C>T on the coding strand, the complement: ABCA4 is on the minus strand). VCF-style: chr1-94044706-G-A. GRCh37 (hg19) VCF-style: chr1-94510262-G-A.
Other names: c.2735C>T, p.Thr912Ile (NM_001425324.1); short protein forms T986I, T912I.
Identifiers: ClinVar variation 839765 (VCV000839765.12), dbSNP rs1660624204, ClinGen allele CA341275203.

ClinVar aggregate classification (germline): Uncertain significance. Review status: criteria provided, multiple submitters, no conflicts (2 of 4 stars). 2 submissions from 2 submitters: Uncertain significance (2). Last evaluated 2022-08-31.

gnomAD v4.1: 3 of 1,614,228 alleles (0.00019%); highest among the groups gnomAD compares: Non-Finnish European, 0.00025%; no homozygotes.

Submissions (2):

Labcorp Genetics (formerly Invitae), Labcorp
Classification: Uncertain significance. Last evaluated: 2022-08-31. Review status: criteria provided, single submitter. Criteria: Invitae Variant Classification Sherloc (09022015). Collection method: clinical testing. Allele origin: germline.
Comment: In summary, the available evidence is currently insufficient to determine the role of this variant in disease. Therefore, it has been classified as a Variant of Uncertain Significance. Advanced modeling of protein sequence and biophysical properties (such as structural, functional, and spatial information, amino acid conservation, physicochemical variation, residue mobility, and thermodynamic stability) performed at Invitae indicates that this missense variant is expected to disrupt ABCA4 protein function. ClinVar contains an entry for this variant (Variation ID: 839765). This variant has not been reported in the literature in individuals affected with ABCA4-related conditions. This variant is not present in population databases (gnomAD no frequency). This sequence change replaces threonine, which is neutral and polar, with isoleucine, which is neutral and non-polar, at codon 986 of the ABCA4 protein (p.Thr986Ile).

Blueprint Genetics
Classification: Uncertain significance. Last evaluated: 2019-04-02. Review status: criteria provided, single submitter. Criteria: ACMG Guidelines, 2015. Collection method: clinical testing. Allele origin: germline.